The following is an entry in ClinVar:

ClinVar aggregate classification (germline): Uncertain significance (1 of 4 stars; one submission).

Conditions:
Hereditary cancer-predisposing syndrome. Also called: Tumor predisposition; Hereditary Cancer Syndrome; Neoplastic Syndromes, Hereditary; Hereditary neoplastic syndrome. Identifiers: Orphanet 140162, MedGen C0027672, MeSH D009386, MONDO:0015356.

Submission:

Color Diagnostics, LLC DBA Color Health
Classification: Uncertain significance for Hereditary cancer-predisposing syndrome. Last evaluated: 2025-04-28. Review status: criteria provided, single submitter. Criteria: ACMG Guidelines, 2015. Collection method: clinical testing. Allele origin: germline.
Comment: This missense variant replaces isoleucine with leucine at codon 975 of the BRCA2 protein. Computational prediction suggests that this variant may not impact protein structure and function. To our knowledge, functional studies have not been reported for this variant. This variant has not been reported in individuals affected with BRCA2-related disorders in the literature. This variant has not been identified in the general population by the Genome Aggregation Database (gnomAD). The available evidence is insufficient to determine the role of this variant in disease conclusively. Therefore, this variant is classified as a Variant of Uncertain Significance.

NM_000059.4(BRCA2):c.2923A>C (p.Ile975Leu)

Gene: BRCA2 (BRCA2 DNA repair associated; plus strand). Cytogenetic location: 13q13.1.
Variant type: single nucleotide variant.
Coding change: c.2923A>C on transcript NM_000059.4 (MANE Select); coding-DNA position 2923, A replaced by C.
Protein change: p.Ile975Leu; replaces isoleucine 975 with leucine.
Molecular consequence: missense variant. On other transcripts: non-coding transcript variant (1), intron variant (2).
Genome position (GRCh38, 1-based): chr13:32,337,278, A>C. VCF-style: chr13-32337278-A-C. GRCh37 (hg19) VCF-style: chr13-32911415-A-C.
Other names: c.2923A>C, p.Ile975Leu (NM_001406719.1, NM_001406720.1, NM_001432077.1); c.1909+3891A>C (NM_001406721.1); c.424+6248A>C (NM_001406722.1); short protein forms I975L.
Identifiers: ClinVar variation 4756606 (VCV004756606.1).